The following is an entry in ClinVar:

ClinVar aggregate classification (germline): Pathogenic (1 of 4 stars; one submission).

Conditions:
Familial thoracic aortic aneurysm and aortic dissection (TAAD). Also called: Thoracic aortic aneurysms and dissections. Identifiers: Orphanet 91387, MedGen C4707243, MONDO:0019625.

Submission:

Labcorp Genetics (formerly Invitae), Labcorp
Classification: Pathogenic for Familial thoracic aortic aneurysm and aortic dissection. Last evaluated: 2023-10-15. Review status: criteria provided, single submitter. Criteria: Invitae Variant Classification Sherloc (09022015). Collection method: clinical testing. Allele origin: germline.
Comment: This sequence change creates a premature translational stop signal (p.Asn345Glnfs*17) in the SMAD3 gene. It is expected to result in an absent or disrupted protein product. Loss-of-function variants in SMAD3 are known to be pathogenic (PMID: 21778426, 24804794). This variant is not present in population databases (gnomAD no frequency). This variant has not been reported in the literature in individuals affected with SMAD3-related conditions. For these reasons, this variant has been classified as Pathogenic.

Literature cited by the submitters: PubMed 21778426; PubMed 24804794.

NM_005902.4(SMAD3):c.1031_1032insT (p.Asn345fs)

Gene: SMAD3 (SMAD family member 3; plus strand). Cytogenetic location: 15q22.33.
Variant type: Insertion.
Coding change: c.1031_1032insT on transcript NM_005902.4 (MANE Select); coding-DNA positions 1031 to 1032, T inserted.
Protein change: p.Asn345fs; shifts the reading frame from asparagine 345.
Molecular consequence: frameshift variant.
Genome position: GRCh38 VCF-style: chr15-67187386-A-AT. GRCh37 (hg19) VCF-style: chr15-67479724-A-AT.
Other names: c.716_717insT, p.Asn240fs (NM_001145102.2, NM_001407016.1); c.899_900insT, p.Asn301fs (NM_001145103.2, NM_001407012.1); c.446_447insT, p.Asn150fs (NM_001145104.2, NM_001407017.1); c.1142_1143insT, p.Asn382fs (NM_001407011.1); c.893_894insT, p.Asn299fs (NM_001407013.1); c.884_885insT, p.Asn296fs (NM_001407014.1); c.584_585insT, p.Asn196fs (NM_001407015.1); short protein forms N299fs, N345fs, N196fs, N240fs, N382fs, N150fs, N301fs, N296fs.
Identifiers: ClinVar variation 2768801 (VCV002768801.3), dbSNP rs2505310094, ClinGen allele CA2697549152.